The following is an entry in ClinVar:

NM_000702.4(ATP1A2):c.2942+1del

Gene: ATP1A2 (ATPase Na+/K+ transporting subunit alpha 2; plus strand). Cytogenetic location: 1q23.2.
Variant type: Deletion.
Coding change: c.2942+1del on transcript NM_000702.4 (MANE Select); the canonical splice donor site of the intron after coding-DNA position 2942, one base deleted (G; older notation c.2942+1delG).
Molecular consequence: splice donor variant.
Genome position (GRCh38, 1-based): chr1:160,139,742, G deleted. VCF-style (leftmost placement, unchanged base first): chr1-160139741-AG-A. GRCh37 (hg19) VCF-style: chr1-160109531-AG-A.
Identifiers: ClinVar variation 5040367 (VCV005040367.1).
Genomic context (GRCh38, chr1:160,139,741, plus strand): 5'-TGGCTGCCTTTCTCTCTTACTGCCCAGGCATGGGTGTAGCCCTCCGCATGTACCCGCTCA[AG>A]TGAGTGTCTCTTTCGGGCGGCCTGAGTAGTCATACGGGGGGCCTTCAGCCCCCTCCAGGA-3'

ClinVar aggregate classification (germline): Likely pathogenic (1 of 4 stars; one submission).

Submission:

CeGaT Center for Human Genetics Tuebingen
Classification: Likely pathogenic. Last evaluated: 2026-08-01. Review status: criteria provided, single submitter. Criteria: CeGaT Center For Human Genetics Tuebingen Variant Classification Criteria Version 2. Collection method: clinical testing. Allele origin: germline. Affected: yes. Observed: 1 variant allele.
Comment: ATP1A2: PVS1:Strong, PM2